The following is an entry in ClinVar:

ClinVar aggregate classification (germline): Uncertain significance (1 of 4 stars; one submission).

Conditions:
Adams-Oliver syndrome 5 (AOS5). Identifiers: Orphanet 974, MedGen C4014970, MONDO:0014459, OMIM 616028.

Allele frequency attached by ClinVar (database versions not stated): gnomAD 0.00001.

Submission:

Labcorp Genetics (formerly Invitae), Labcorp
Classification: Uncertain significance for Adams-Oliver syndrome 5. Last evaluated: 2024-06-30. Review status: criteria provided, single submitter. Criteria: Invitae Variant Classification Sherloc (09022015). Collection method: clinical testing. Allele origin: germline.
Comment: This sequence change replaces arginine, which is basic and polar, with tryptophan, which is neutral and slightly polar, at codon 1784 of the NOTCH1 protein (p.Arg1784Trp). This variant is not present in population databases (gnomAD no frequency). This variant has not been reported in the literature in individuals affected with NOTCH1-related conditions. ClinVar contains an entry for this variant (Variation ID: 847329). Advanced modeling of protein sequence and biophysical properties (such as structural, functional, and spatial information, amino acid conservation, physicochemical variation, residue mobility, and thermodynamic stability) has been performed at Invitae for this missense variant, however the output from this modeling did not meet the statistical confidence thresholds required to predict the impact of this variant on NOTCH1 protein function. In summary, the available evidence is currently insufficient to determine the role of this variant in disease. Therefore, it has been classified as a Variant of Uncertain Significance.

NM_017617.5(NOTCH1):c.5350C>T (p.Arg1784Trp)

Gene: NOTCH1 (notch receptor 1; minus strand). Cytogenetic location: 9q34.3.
Variant type: single nucleotide variant.
Coding change: c.5350C>T on transcript NM_017617.5 (MANE Select); coding-DNA position 5350, C replaced by T.
Protein change: p.Arg1784Trp; replaces arginine 1784 with tryptophan.
Molecular consequence: missense variant.
Genome position (GRCh38, 1-based): chr9:136,502,306, G>A on the plus strand (C>T on the coding strand, the complement: NOTCH1 is on the minus strand). VCF-style: chr9-136502306-G-A. GRCh37 (hg19) VCF-style: chr9-139396758-G-A.
Other names: short protein forms R1784W.
Identifiers: ClinVar variation 847329 (VCV000847329.9), dbSNP rs1843010487, ClinGen allele CA375640417.